The following is an entry in ClinVar:

ClinVar aggregate classification (germline): Likely benign. Review status: criteria provided, multiple submitters, no conflicts (2 of 4 stars). 4 submissions from 4 submitters: Likely benign (3). 1 of the submissions does not count toward it. Last evaluated 2025-12-31.

Conditions:
RIGI-related disorder. Also called: RIGI-related condition.

Allele frequency attached by ClinVar (database versions not stated): TOPMed 0.00043; gnomAD 0.00045; gnomAD exomes 0.00050 and 0.00077; ExAC 0.00056; 1000 Genomes Project 0.00060; 1000 Genomes Project 30x 0.00062; ESP Exome Variant Server 0.00104.

Submissions (4):

Labcorp Genetics (formerly Invitae), Labcorp
Classification: Likely benign. Last evaluated: 2025-12-31. Review status: criteria provided, single submitter. Criteria: Invitae Variant Classification Sherloc (09022015). Collection method: clinical testing. Allele origin: germline.

Blueprint Genetics
Classification: Likely benign. Last evaluated: 2024-10-23. Review status: criteria provided, single submitter. Criteria: ACMG Guidelines, 2015. Collection method: clinical testing. Allele origin: germline.

CeGaT Center for Human Genetics Tuebingen
Classification: Likely benign. Last evaluated: 2022-08-01. Review status: criteria provided, single submitter. Criteria: CeGaT Center For Human Genetics Tuebingen Variant Classification Criteria Version 2. Collection method: clinical testing. Allele origin: germline. Affected: yes. Observed: 1 variant allele.
Comment: RIGI: BS2

PreventionGenetics, part of Exact Sciences
Classification: Likely benign for RIGI-related condition. Last evaluated: 2023-09-08. Review status: no assertion criteria provided. Collection method: clinical testing. Allele origin: germline. Not counted in ClinVar's aggregate classification.
Comment: This variant is classified as likely benign based on ACMG/AMP sequence variant interpretation guidelines (Richards et al. 2015 PMID: 25741868, with internal and published modifications).

NM_014314.4(RIGI):c.2587_2590dup (p.Cys864fs)

Gene: RIGI (RNA sensor RIG-I; minus strand). Cytogenetic location: 9p21.1.
Variant type: Duplication.
Coding change: c.2587_2590dup on transcript NM_014314.4 (MANE Select); coding-DNA positions 2587 to 2590, 4 bases duplicated (TTCT; older notation c.2587_2590dupTTCT).
Protein change: p.Cys864fs; shifts the reading frame from cysteine 864.
Molecular consequence: frameshift variant.
Genome position (GRCh38, 1-based): chr9:32,457,310-32,457,313, AGAA duplicated on the plus strand (TTCT on the coding strand, the reverse complement: RIGI is on the minus strand). VCF-style (leftmost placement, unchanged base first): chr9-32457309-C-CAGAA. GRCh37 (hg19) VCF-style: chr9-32457307-C-CAGAA.
Other names: c.1978_1981dup, p.Cys661fs (NM_001385912.1); c.2572_2575dup, p.Cys859fs (NM_001385913.1); c.2143_2146dup, p.Cys716fs (NM_001385914.1); c.2587_2590dupTTCT (NM_014314.3); c.2581_2584dup, p.Cys862fs (NM_001385907.1); c.2416_2419dup, p.Cys807fs (NM_001385909.1); c.2146_2149dup, p.Cys717fs (NM_001385910.1); short protein forms C661fs, C716fs, C717fs, C807fs, C859fs, C862fs, C864fs.
Identifiers: ClinVar variation 997537 (VCV000997537.42), dbSNP rs573952640, ClinGen allele CA5019447.
Genomic context (GRCh38, chr9:32,457,309, plus strand): 5'-ATCTCAAATGTCTTGTACTTCACATGGATTCCCCAGTCATGGCTGCAGTTCTGTCGGGCA[C>CAGAA]AGAATATCTTTGCTCTTTTTTCAAAACTTGAAAACTGCTTTGGCTTGGGATGTGGTCTAC-3'